The following is an entry in ClinVar:

NM_015465.5(GEMIN5):c.778C>T (p.Arg260Ter)

Gene: GEMIN5 (gem nuclear organelle associated protein 5; minus strand). Cytogenetic location: 5q33.2.
Variant type: single nucleotide variant.
Coding change: c.778C>T on transcript NM_015465.5 (MANE Select); coding-DNA position 778, C replaced by T.
Protein change: p.Arg260Ter; replaces arginine 260 with a stop codon.
Molecular consequence: nonsense.
Genome position (GRCh38, 1-based): chr5:154,931,461, G>A on the plus strand (C>T on the coding strand, the complement: GEMIN5 is on the minus strand). VCF-style: chr5-154931461-G-A. GRCh37 (hg19) VCF-style: chr5-154311021-G-A.
Other names: c.775C>T, p.Arg259Ter (NM_001252156.2); short protein forms R259*, R260*.
Identifiers: ClinVar variation 3375749 (VCV003375749.4).

ClinVar aggregate classification (germline): Likely pathogenic. Review status: criteria provided, multiple submitters, no conflicts (2 of 4 stars). 2 submissions from 2 submitters: Likely pathogenic (2). Last evaluated 2026-10-09.

Conditions:
Neurodevelopmental disorder with cerebellar atrophy and motor dysfunction. Identifiers: MedGen C5543427, MONDO:0859152, OMIM 619333.

gnomAD v4.1: 52 of 1,603,874 alleles (0.0032%); highest among the groups gnomAD compares: African/African-American, 0.059%; no homozygotes.

Submissions (2):

GeneDx
Classification: Likely pathogenic. Last evaluated: 2026-10-09. Review status: criteria provided, single submitter. Criteria: GeneDx Variant Classification Process June 2021. Collection method: clinical testing. Allele origin: germline.
Comment: Observed in a large cohort of individuals with cardiovascular disease traits; however, zygosity and clinical information were not provided (PMID: 31345219); Nonsense variant predicted to result in protein truncation or nonsense mediated decay in a gene for which loss of function is a known mechanism of disease; This variant is associated with the following publications: (PMID: 31345219)

Fulgent Genetics
Classification: Likely pathogenic for Neurodevelopmental disorder with cerebellar atrophy and motor dysfunction. Last evaluated: 2024-05-22. Review status: criteria provided, single submitter. Criteria: ACMG Guidelines, 2015. Collection method: clinical testing. Allele origin: germline.